The following is an entry in ClinVar:

ClinVar aggregate classification (germline): Uncertain significance (1 of 4 stars; one submission).

Conditions:
Hereditary cancer-predisposing syndrome. Also called: Hereditary Cancer Syndrome; Tumor predisposition; Hereditary neoplastic syndrome; Neoplastic Syndromes, Hereditary. Identifiers: Orphanet 140162, MedGen C0027672, MeSH D009386, MONDO:0015356.

gnomAD v4.1: 1 of 1,614,230 alleles (0.000062%); highest among the groups gnomAD compares: Non-Finnish European, 0.000085%; no homozygotes.

Submission:

Ambry Genetics
Classification: Uncertain significance for Hereditary cancer-predisposing syndrome. Last evaluated: 2024-04-04. Review status: criteria provided, single submitter. Criteria: Ambry Variant Classification Scheme 2023. Collection method: clinical testing. Allele origin: germline.
Comment: The p.K240N variant (also known as c.720G>C), located in coding exon 9 of the BAP1 gene, results from a G to C substitution at nucleotide position 720. The lysine at codon 240 is replaced by asparagine, an amino acid with similar properties. This amino acid position is conserved. In addition, this alteration is predicted to be tolerated by in silico analysis. Based on the available evidence, the clinical significance of this variant remains unclear.

NM_004656.4(BAP1):c.720G>C (p.Lys240Asn)

Gene: BAP1 (BRCA1 associated deubiquitinase 1; minus strand). Cytogenetic location: 3p21.1.
Variant type: single nucleotide variant.
Coding change: c.720G>C on transcript NM_004656.4 (MANE Select); coding-DNA position 720, G replaced by C.
Protein change: p.Lys240Asn; replaces lysine 240 with asparagine.
Molecular consequence: missense variant.
Genome position (GRCh38, 1-based): chr3:52,406,316, C>G on the plus strand (G>C on the coding strand, the complement: BAP1 is on the minus strand). VCF-style: chr3-52406316-C-G. GRCh37 (hg19) VCF-style: chr3-52440332-C-G.
Other names: c.666G>C, p.Lys222Asn (NM_001410772.1); short protein forms K222N, K240N.
Identifiers: ClinVar variation 3260379 (VCV003260379.1).
Genomic context (GRCh38, chr3:52,406,316, plus strand): 5'-CTGCAGAGCCTCTAGTACTGTCTGACGGTTCACCTTCAGCACATGCAGCCTGGCCTCATA[C>G]TTGATCCTGCGGTCGGGCACCACTGCCATCAGGTTGAAGCGGATGTCGTGGTAGGGCTCC-3'
Protein context (NP_004647.1, residues 230-250): LMAVVPDRRI[Lys240Asn]YEARLHVLKV